The following is an entry in ClinVar:

NM_001378204.1(CCDC18):c.3840T>C (p.Asp1280=)

Gene: CCDC18 (coiled-coil domain containing 18; plus strand). Cytogenetic location: 1p22.1.
Variant type: single nucleotide variant.
Coding change: c.3840T>C on transcript NM_001378204.1 (MANE Select); coding-DNA position 3840, T replaced by C.
Protein change: p.Asp1280=; no amino-acid change (aspartic acid 1280 retained).
Molecular consequence: synonymous variant.
Genome position (GRCh38, 1-based): chr1:93,264,856, T>C. VCF-style: chr1-93264856-T-C. GRCh37 (hg19) VCF-style: chr1-93730413-T-C.
Other names: c.3837T>C, p.Asp1279= (NM_001306076.1); c.3840T>C, p.Asp1280= (NM_206886.4).
Identifiers: ClinVar variation 3038699 (VCV003038699.2), dbSNP rs747191589, ClinGen allele CA954694.
Genomic context (GRCh38, chr1:93,264,856, plus strand): 5'-AAAATTGGAATTAGAAGAAGCTCAGGATACTGTAAGCAATTTGCATCAACAAGTCCAAGA[T>C]AGGAATGAAGTAATTGAAGCTGCAAATGAAGCATTACTTACTAAAGTAAGTAAACATATA-3'
Protein context (NP_001365133.1, residues 1270-1290): TVSNLHQQVQ[Asp1280=]RNEVIEAANE

ClinVar aggregate classification (germline): Likely benign (0 of 4 stars; one submission).

Conditions:
CCDC18-related disorder. Also called: CCDC18-related condition.

Allele frequency attached by ClinVar (database versions not stated): TOPMed below 0.00001; ExAC 0.00001; gnomAD exomes 0.00001.
gnomAD v4.1: 10 of 1,613,464 alleles (0.00062%); highest among the groups gnomAD compares: South Asian, 0.0011%; no homozygotes.

Submission:

PreventionGenetics, part of Exact Sciences
Classification: Likely benign for CCDC18-related condition. Last evaluated: 2019-05-21. Review status: no assertion criteria provided. Collection method: clinical testing. Allele origin: germline.
Comment: This variant is classified as likely benign based on ACMG/AMP sequence variant interpretation guidelines (Richards et al. 2015 PMID: 25741868, with internal and published modifications).